The following is an entry in ClinVar:

NM_199420.4(POLQ):c.3279T>G (p.Asn1093Lys)

Gene: POLQ (DNA polymerase theta; minus strand). Cytogenetic location: 3q13.33.
Variant type: single nucleotide variant.
Coding change: c.3279T>G on transcript NM_199420.4 (MANE Select); coding-DNA position 3279, T replaced by G.
Protein change: p.Asn1093Lys; replaces asparagine 1093 with lysine.
Molecular consequence: missense variant.
Genome position (GRCh38, 1-based): chr3:121,489,652, A>C on the plus strand (T>G on the coding strand, the complement: POLQ is on the minus strand). VCF-style: chr3-121489652-A-C. GRCh37 (hg19) VCF-style: chr3-121208499-A-C.
Other names: short protein forms N1093K.
Identifiers: ClinVar variation 1729696 (VCV001729696.2), dbSNP rs1040722522, ClinGen allele CA354100878.

ClinVar aggregate classification (germline): Uncertain significance (1 of 4 stars; one submission).

Submission:

Ambry Genetics
Classification: Uncertain significance. Last evaluated: 2024-02-25. Review status: criteria provided, single submitter. Criteria: Ambry Variant Classification Scheme 2023. Collection method: clinical testing. Allele origin: germline.
Comment: The p.N1093K variant (also known as c.3279T>G), located in coding exon 16 of the POLQ gene, results from a T to G substitution at nucleotide position 3279. The asparagine at codon 1093 is replaced by lysine, an amino acid with similar properties. This amino acid position is conserved. In addition, this alteration is predicted to be tolerated by in silico analysis. Since supporting evidence is limited at this time, the clinical significance of this alteration remains unclear.